The following is an entry in ClinVar:

NM_004329.3(BMPR1A):c.675_675+1delinsTT

Gene: BMPR1A (bone morphogenetic protein receptor type 1A; plus strand). Cytogenetic location: 10q23.2.
Variant type: Indel.
Coding change: c.675_675+1delinsTT on transcript NM_004329.3 (MANE Select); coding-DNA position 675 through the canonical splice donor site of the intron after coding-DNA position 675, GG replaced by TT.
Molecular consequence: splice donor variant. On other transcripts: intron variant (1).
Genome position (GRCh38, 1-based): chr10:86,912,384-86,912,385, GG replaced by TT. VCF-style: chr10-86912384-GG-TT. GRCh37 (hg19) VCF-style: chr10-88672141-GG-TT.
Other names: c.675_675+1delinsTT (NM_001406562.1, NM_001406568.1, NM_001406567.1 and 20 more transcripts); c.591_591+1delinsTT (NM_001406584.1, NM_001406588.1, NM_001406587.1 and 2 more transcripts); c.723_723+1delinsTT (NM_001406560.1); c.750_750+1delinsTT (NM_001406559.1); c.334-4750_334-4749delinsTT (NM_001406589.1).
Identifiers: ClinVar variation 3644257 (VCV003644257.2).
Genomic context (GRCh38, chr10:86,912,384, plus strand): 5'-ACTAAAAGACCTTATTGACCAGTCACAAAGTTCTGGTAGTGGGTCTGGACTACCTTTATT[GG>TT]TAAGTTAAACGTTCCTATAGACATGAATGGTGTGTTGATTTAGAATGTGTCCTCATGATG-3'

ClinVar aggregate classification (germline): Likely pathogenic (1 of 4 stars; one submission).

Conditions:
Juvenile polyposis syndrome (JPS). Identifiers: Orphanet 2929, MedGen C0345893, MONDO:0017380, OMIM 174900.

Submission:

Labcorp Genetics (formerly Invitae), Labcorp
Classification: Likely pathogenic for Juvenile polyposis syndrome. Last evaluated: 2024-03-03. Review status: criteria provided, single submitter. Criteria: Invitae Variant Classification Sherloc (09022015). Collection method: clinical testing. Allele origin: germline.
Comment: This variant results in the deletion of partial exon 8 of the BMPR1A gene. It is expected to disrupt RNA splicing. Variants that disrupt the donor or acceptor splice site typically lead to a loss of protein function (PMID: 16199547), and loss-of-function variants in BMPR1A are known to be pathogenic (PMID: 11536076, 12417513). Information on the frequency of this variant in the gnomAD database is not available, as this variant may be reported differently in the database. This variant has not been reported in the literature in individuals affected with BMPR1A-related conditions. In summary, the currently available evidence indicates that the variant is pathogenic, but additional data are needed to prove that conclusively. Therefore, this variant has been classified as Likely Pathogenic.

Literature cited by the submitters: PubMed 16199547; PubMed 11536076; PubMed 12417513.